The following is an entry in ClinVar:

ClinVar aggregate classification (germline): Uncertain significance. Review status: criteria provided, multiple submitters, no conflicts (2 of 4 stars). 2 submissions from 2 submitters: Uncertain significance (2). Last evaluated 2025-07-25.

Conditions:
Cardiomyopathy (CMYO). Also called: Cardiomyopathies. Identifiers: Orphanet 167848, MedGen C0878544, MONDO:0004994, HP:0001638. Inheritance: Various modes of inheritance.
Arrhythmogenic right ventricular dysplasia 11. Also called: ARRHYTHMOGENIC RIGHT VENTRICULAR DYSPLASIA, FAMILIAL, 11; Arrhythmogenic Right Ventricular Dysplasia/Cardiomyopathy11; Arrhythmogenic right ventricular dysplasia 11 with mild palmoplantar keratoderma and woolly hair. Identifiers: MedGen C1864850, MONDO:0012506, OMIM 610476.

Submissions (2):

Color Diagnostics, LLC DBA Color Health
Classification: Uncertain significance for Cardiomyopathy. Last evaluated: 2025-07-25. Review status: criteria provided, single submitter. Criteria: ACMG Guidelines, 2015. Collection method: clinical testing. Allele origin: germline.
Comment: This missense variant replaces aspartic acid with valine at codon 382 of the DSC2 protein. Computational prediction suggests that this variant may have deleterious impact on protein structure and function. To our knowledge, functional studies have not been reported for this variant. This variant has not been reported in individuals affected with DSC2-related disorders in the literature. This variant has not been identified in the general population by the Genome Aggregation Database (gnomAD). The available evidence is insufficient to determine the role of this variant in disease conclusively. Therefore, this variant is classified as a Variant of Uncertain Significance.

Labcorp Genetics (formerly Invitae), Labcorp
Classification: Uncertain significance for Arrhythmogenic right ventricular dysplasia 11. Last evaluated: 2023-07-24. Review status: criteria provided, single submitter. Criteria: Invitae Variant Classification Sherloc (09022015). Collection method: clinical testing. Allele origin: germline.
Comment: This sequence change replaces aspartic acid, which is acidic and polar, with valine, which is neutral and non-polar, at codon 382 of the DSC2 protein (p.Asp382Val). This variant is not present in population databases (gnomAD no frequency). This variant has not been reported in the literature in individuals affected with DSC2-related conditions. Advanced modeling of protein sequence and biophysical properties (such as structural, functional, and spatial information, amino acid conservation, physicochemical variation, residue mobility, and thermodynamic stability) performed at Invitae indicates that this missense variant is expected to disrupt DSC2 protein function. In summary, the available evidence is currently insufficient to determine the role of this variant in disease. Therefore, it has been classified as a Variant of Uncertain Significance.

NM_024422.6(DSC2):c.1145A>T (p.Asp382Val)

Gene: DSC2 (desmocollin 2; minus strand). Cytogenetic location: 18q12.1.
Variant type: single nucleotide variant.
Coding change: c.1145A>T on transcript NM_024422.6 (MANE Select); coding-DNA position 1145, A replaced by T.
Protein change: p.Asp382Val; replaces aspartic acid 382 with valine.
Molecular consequence: missense variant.
Genome position (GRCh38, 1-based): chr18:31,082,356, T>A on the plus strand (A>T on the coding strand, the complement: DSC2 is on the minus strand). VCF-style: chr18-31082356-T-A. GRCh37 (hg19) VCF-style: chr18-28662322-T-A.
Other names: c.716A>T, p.Asp239Val (NM_001406506.1, NM_001406507.1); c.1145A>T, p.Asp382Val (NM_004949.5); short protein forms D239V, D382V.
Identifiers: ClinVar variation 2799173 (VCV002799173.4), dbSNP rs2510948370, ClinGen allele CA402109810.
Genomic context (GRCh38, chr18:31,082,356, plus strand): 5'-CCATTTTCATTGCCCTTTAAAATGGTATAATTAGCTCTCCAGTTAGCAGTATTCACTAAG[T>A]CCTTATCCTCAACAGTAACTCGTAAGATTTCCACATCAACTGTATTTTCTTCCACTGATG-3'
Protein context (NP_077740.1, residues 372-392): EILRVTVEDK[Asp382Val]LVNTANWRAN